The following is an entry in ClinVar:

NM_022098.4(XPNPEP3):c.*4702G>A

Gene: XPNPEP3 (X-prolyl aminopeptidase 3; plus strand). Cytogenetic location: 22q13.2.
Variant type: single nucleotide variant.
Coding change: c.*4702G>A on transcript NM_022098.4 (MANE Select); 4702 bases downstream of the stop codon, G replaced by A.
Molecular consequence: 3 prime UTR variant.
Genome position (GRCh38, 1-based): chr22:40,931,137, G>A. VCF-style: chr22-40931137-G-A. GRCh37 (hg19) VCF-style: chr22-41327141-G-A.
Identifiers: ClinVar variation 341749 (VCV000341749.6), dbSNP rs5758133, ClinGen allele CA10653535.
Genomic context (GRCh38, chr22:40,931,137, plus strand): 5'-GACCTCGTGATCTGCCCACTTTGGCCTCCCAAAGTGCTGGGATTACAGGTGTGAGCCACC[G>A]TGCCCAGCCGAGCCTTTAGTTCTAAGTATAATAAATAATATATATACCAGGCATTCCTAT-3'

ClinVar aggregate classification (germline): Benign. Review status: criteria provided, multiple submitters, no conflicts (2 of 4 stars). 2 submissions from 2 submitters: Benign (2). Last evaluated 2018-01-12.

Conditions:
Nephronophthisis-like nephropathy 1 (NPHPL1). Identifiers: Orphanet 655, MedGen C3150419, MONDO:0013163, OMIM 613159.

Allele frequency attached by ClinVar (database versions not stated): gnomAD 0.02338 and 0.02458; TOPMed 0.02813; 1000 Genomes Project 30x 0.06527; 1000 Genomes Project 0.06629.

Submissions (2):

Illumina Laboratory Services, Illumina
Classification: Benign for Nephronophthisis-like nephropathy 1. Last evaluated: 2018-01-12. Review status: criteria provided, single submitter. Criteria: ICSL Variant Classification Criteria 13 December 2019. Collection method: clinical testing. Allele origin: germline.
Comment: This variant was observed in the ICSL laboratory as part of a predisposition screen in an ostensibly healthy population. It had not been previously curated by ICSL or reported in the Human Gene Mutation Database (HGMD: prior to June 1st, 2018), and was therefore a candidate for classification through an automated scoring system. Utilizing variant allele frequency, disease prevalence and penetrance estimates, and inheritance mode, an automated score was calculated to assess if this variant is too frequent to cause the disease. Based on the score and internal cut-off values, a variant classified as benign is not then subjected to further curation. The score for this variant resulted in a classification of benign for this disease.

Breakthrough Genomics
Classification: Benign. Review status: criteria provided, single submitter. Criteria: ACMG Guidelines, 2015. Collection method: not provided. Allele origin: germline. Inheritance: Autosomal recessive inheritance. Affected: yes.